The following is an entry in ClinVar:

NM_003477.3(PDHX):c.1404del (p.Val469fs)

Gene: PDHX (pyruvate dehydrogenase complex component X; plus strand). Cytogenetic location: 11p13.
Variant type: Deletion.
Coding change: c.1404del on transcript NM_003477.3 (MANE Select); coding-DNA position 1404, one base deleted (A; older notation c.1404delA).
Protein change: p.Val469fs; shifts the reading frame from valine 469.
Molecular consequence: frameshift variant.
Genome position (GRCh38, 1-based): chr11:34,995,070, A deleted. VCF-style (leftmost placement, unchanged base first): chr11-34995069-CA-C. GRCh37 (hg19) VCF-style: chr11-35016616-CA-C.
Other names: c.1224del, p.Val409fs (NM_001135024.2); c.723del, p.Val242fs (NM_001166158.2); short protein forms V469fs, V242fs, V409fs.
Identifiers: ClinVar variation 4995282 (VCV004995282.1).

ClinVar aggregate classification (germline): Uncertain significance (1 of 4 stars; one submission).

Conditions:
PDHX-related disorder. Also called: PDHX-related condition.

Submission:

PreventionGenetics, part of Exact Sciences
Classification: Uncertain significance for PDHX-related condition. Last evaluated: 2026-01-30. Review status: criteria provided, single submitter. Criteria: ACMG Guidelines, 2015. Collection method: clinical testing. Allele origin: germline.
Comment: The PDHX c.1404delA variant is predicted to result in a frameshift and premature protein termination (p.Val469Serfs*26). To our knowledge, this variant has not been reported in the literature. This variant is absent in a large population database (gnomAD), indicating this variant is rare. This variant resides in the final exon of this gene, and it is unclear if the resulting mRNA would undergo nonsense-mediated decay; however, at least one other loss of function variant in the final exon has been reported in an individual with pyruvate dehydrogenase complex deficiency (Barnerias et al. 2010. PubMed ID: 20002125). Although we suspect that this variant may be pathogenic, at this time, the clinical significance of this variant is uncertain due to the absence of conclusive functional and genetic evidence.